The following is an entry in ClinVar:

NM_012062.5(DNM1L):c.1127G>A (p.Arg376Gln)

Gene: DNM1L (dynamin 1L; plus strand). Cytogenetic location: 12p11.21.
Variant type: single nucleotide variant.
Coding change: c.1127G>A on transcript NM_012062.5 (MANE Select); coding-DNA position 1127, G replaced by A.
Protein change: p.Arg376Gln; replaces arginine 376 with glutamine.
Molecular consequence: missense variant.
Genome position (GRCh38, 1-based): chr12:32,731,061, G>A. VCF-style: chr12-32731061-G-A. GRCh37 (hg19) VCF-style: chr12-32883995-G-A.
Other names: c.1127G>A, p.Arg376Gln (NM_001278463.2, NM_005690.5, NM_012063.4); c.1166G>A, p.Arg389Gln (NM_001278464.2, NM_001278465.2, NM_001330380.2); c.518G>A, p.Arg173Gln (NM_001278466.2); c.1127G>A (NM_012062.4, NM_012062.3); short protein forms R173Q, R376Q, R389Q.
Identifiers: ClinVar variation 3018814 (VCV003018814.5), dbSNP rs1954521883, ClinGen allele CA384357339.

ClinVar aggregate classification (germline): Uncertain significance. Review status: criteria provided, multiple submitters, no conflicts (2 of 4 stars). 3 submissions from 3 submitters: Uncertain significance (3). Last evaluated 2026-06-29.

Conditions:
DNM1L-related disorder. Also called: DNM1L-related condition.
Inborn genetic diseases. Identifiers: MedGen C0950123, MeSH D030342.

Allele frequency attached by ClinVar (database versions not stated): gnomAD exomes below 0.00001.
gnomAD v4.1: 1 of 1,613,850 alleles (0.000062%); highest among the groups gnomAD compares: Non-Finnish European, 0.000085%; no homozygotes.

Submissions (3):

Ambry Genetics
Classification: Uncertain significance for Inborn genetic diseases. Last evaluated: 2026-06-29. Review status: criteria provided, single submitter. Criteria: Ambry Variant Classification Scheme 2023. Collection method: clinical testing. Allele origin: germline.

Labcorp Genetics (formerly Invitae), Labcorp
Classification: Uncertain significance. Last evaluated: 2025-12-13. Review status: criteria provided, single submitter. Criteria: Invitae Variant Classification Sherloc (09022015). Collection method: clinical testing. Allele origin: germline.
Comment: This sequence change replaces arginine, which is basic and polar, with glutamine, which is neutral and polar, at codon 376 of the DNM1L protein (p.Arg376Gln). This variant is not present in population databases (gnomAD no frequency). This variant has not been reported in the literature in individuals affected with DNM1L-related conditions. ClinVar contains an entry for this variant (Variation ID: 3018814). An algorithm developed to predict the effect of missense changes on protein structure and function (PolyPhen-2) suggests that this variant is likely to be tolerated. In summary, the available evidence is currently insufficient to determine the role of this variant in disease. Therefore, it has been classified as a Variant of Uncertain Significance.

PreventionGenetics, part of Exact Sciences
Classification: Uncertain significance for DNM1L-related condition. Last evaluated: 2025-03-06. Review status: criteria provided, single submitter. Criteria: ACMG Guidelines, 2015. Collection method: clinical testing. Allele origin: germline.
Comment: The DNM1L c.1127G>A variant is predicted to result in the amino acid substitution p.Arg376Gln. To our knowledge, this variant has not been reported in the literature or in a large population database (gnomAD), indicating this variant is rare. At this time, the clinical significance of this variant is uncertain due to the absence of conclusive functional and genetic evidence.